The following is an entry in ClinVar:

NM_015375.3(DSTYK):c.2206C>T (p.Arg736Trp)

Gene: DSTYK (dual serine/threonine and tyrosine protein kinase; minus strand). Cytogenetic location: 1q32.1.
Variant type: single nucleotide variant.
Coding change: c.2206C>T on transcript NM_015375.3 (MANE Select); coding-DNA position 2206, C replaced by T.
Protein change: p.Arg736Trp; replaces arginine 736 with tryptophan.
Molecular consequence: missense variant.
Genome position (GRCh38, 1-based): chr1:205,159,579, G>A on the plus strand (C>T on the coding strand, the complement: DSTYK is on the minus strand). VCF-style: chr1-205159579-G-A. GRCh37 (hg19) VCF-style: chr1-205128707-G-A.
Other names: c.2206C>T, p.Arg736Trp (NM_199462.3); short protein forms R736W.
Identifiers: ClinVar variation 2347329 (VCV002347329.4), dbSNP rs150778354, ClinGen allele CA1352638.
Genomic context (GRCh38, chr1:205,159,579, plus strand): 5'-TGCCAGCTGGATCTTGCTCTCTCCTTACCTTCAGCCCTGTGTAGAGATCCCGGTGTAGCC[G>A]CTCCATAATGAGGAGCACAGCAATGCTGGAGCCACCACCATAGTTGTAGTCAATGACTGA-3'
Protein context (NP_056190.1, residues 726-746): SSIAVLLIME[Arg736Trp]LHRDLYTGLK

ClinVar aggregate classification (germline): Uncertain significance. Review status: criteria provided, multiple submitters, no conflicts (2 of 4 stars). 2 submissions from 2 submitters: Uncertain significance (2). Last evaluated 2025-06-02.

Allele frequency attached by ClinVar (database versions not stated): TOPMed 0.00008; ESP Exome Variant Server 0.00031; gnomAD 0.00006; ExAC 0.00007; gnomAD exomes 0.00021.
gnomAD v4.1: 313 of 1,577,896 alleles (0.02%); highest among the groups gnomAD compares: Non-Finnish European, 0.025%; no homozygotes.

Submissions (2):

Labcorp Genetics (formerly Invitae), Labcorp
Classification: Uncertain significance. Last evaluated: 2025-06-02. Review status: criteria provided, single submitter. Criteria: Invitae Variant Classification Sherloc (09022015). Collection method: clinical testing. Allele origin: germline.
Comment: This sequence change replaces arginine, which is basic and polar, with tryptophan, which is neutral and slightly polar, at codon 736 of the DSTYK protein (p.Arg736Trp). This variant is present in population databases (rs150778354, gnomAD 0.01%). This variant has not been reported in the literature in individuals affected with DSTYK-related conditions. ClinVar contains an entry for this variant (Variation ID: 2347329). An algorithm developed to predict the effect of missense changes on protein structure and function (PolyPhen-2) suggests that this variant is likely to be disruptive. In summary, the available evidence is currently insufficient to determine the role of this variant in disease. Therefore, it has been classified as a Variant of Uncertain Significance.

Ambry Genetics
Classification: Uncertain significance. Last evaluated: 2021-09-09. Review status: criteria provided, single submitter. Criteria: Ambry Variant Classification Scheme 2023. Collection method: clinical testing. Allele origin: germline.